The following is an entry in ClinVar:

ClinVar aggregate classification (germline): Uncertain significance (1 of 4 stars; one submission).

Conditions:
Hereditary cancer-predisposing syndrome. Also called: Hereditary neoplastic syndrome; Tumor predisposition; Hereditary Cancer Syndrome; Neoplastic Syndromes, Hereditary. Identifiers: Orphanet 140162, MedGen C0027672, MeSH D009386, MONDO:0015356.

Submission:

Ambry Genetics
Classification: Uncertain significance for Hereditary cancer-predisposing syndrome. Last evaluated: 2023-09-11. Review status: criteria provided, single submitter. Criteria: Ambry Variant Classification Scheme 2023. Collection method: clinical testing. Allele origin: germline.
Comment: The p.S1436I variant (also known as c.4307G>T), located in coding exon 15 of the APC gene, results from a G to T substitution at nucleotide position 4307. The serine at codon 1436 is replaced by isoleucine, an amino acid with dissimilar properties. This amino acid position is conserved. In addition, in silico predictors for this gene do not accurately predict pathogenicity. Since supporting evidence is limited at this time, the clinical significance of this alteration remains unclear.

NM_000038.6(APC):c.4307G>T (p.Ser1436Ile)

Gene: APC (APC regulator of Wnt signaling pathway; plus strand). Cytogenetic location: 5q22.2.
Variant type: single nucleotide variant.
Coding change: c.4307G>T on transcript NM_000038.6 (MANE Select); coding-DNA position 4307, G replaced by T.
Protein change: p.Ser1436Ile; replaces serine 1436 with isoleucine.
Molecular consequence: missense variant. On other transcripts: non-coding transcript variant (2).
Genome position (GRCh38, 1-based): chr5:112,839,901, G>T. VCF-style: chr5-112839901-G-T. GRCh37 (hg19) VCF-style: chr5-112175598-G-T.
Other names: c.4307G>T, p.Ser1436Ile (NM_001127510.3, NM_001354895.2, NM_001407450.1); c.4253G>T, p.Ser1418Ile (NM_001127511.3); c.4361G>T, p.Ser1454Ile (NM_001354896.2, NM_001407447.1, NM_001407448.1 and 1 more transcripts); c.4337G>T, p.Ser1446Ile (NM_001354897.2); c.4232G>T, p.Ser1411Ile (NM_001354898.2); c.4223G>T, p.Ser1408Ile (NM_001354899.2); c.4184G>T, p.Ser1395Ile (NM_001354900.2); c.4130G>T, p.Ser1377Ile (NM_001354901.2, NM_001407453.1); and 11 more; short protein forms S1052I, S1345I, S1377I, S1411I, S1276I, S1307I, S1335I, S1436I.
Identifiers: ClinVar variation 2587047 (VCV002587047.2), dbSNP rs2149911322, ClinGen allele CA16030773.